The following is an entry in ClinVar:

ClinVar aggregate classification (germline): Pathogenic (1 of 4 stars; one submission).

Submission:

ARUP Laboratories, Molecular Genetics and Genomics, ARUP Laboratories
Classification: Pathogenic. Last evaluated: 2019-09-11. Review status: criteria provided, single submitter. Criteria: ARUP Molecular Germline Variant Investigation Process. Collection method: clinical testing. Allele origin: germline.
Comment: The CHD7 c.6627delA; p.Glu2210fs variant, to our knowledge, is not reported in the medical literature or gene specific databases. This variant is also absent from general population databases (Exome Variant Server, Genome Aggregation Database), indicating it is not a common polymorphism. This variant causes a frameshift by deleting a single nucleotide, so it is predicted to result in a truncated protein or mRNA subject to nonsense-mediated decay. Additionally, several downstream truncating variants have been identified in individuals with CHARGE syndrome and are considered pathogenic (Bartels 2010, Janssen 2012). Based on available information, this variant is considered to be pathogenic. References: Bartels CF et al. Mutations in the CHD7 gene: the experience of a commercial laboratory. Genet Test Mol Biomarkers. 2010 Dec;14(6):881-91. Janssen N et al. Mutation update on the CHD7 gene involved in CHARGE syndrome. Hum Mutat. 2012 Aug;33(8):1149-60.

NM_017780.4(CHD7):c.6627del (p.Glu2210fs)

Gene: CHD7 (chromodomain helicase DNA binding protein 7; plus strand). Cytogenetic location: 8q12.2.
Variant type: Deletion.
Coding change: c.6627del on transcript NM_017780.4 (MANE Select); coding-DNA position 6627, one base deleted (A; older notation c.6627delA).
Protein change: p.Glu2210fs; shifts the reading frame from glutamic acid 2210.
Molecular consequence: frameshift variant. On other transcripts: intron variant (1).
Genome position (GRCh38, 1-based): chr8:60,853,352, A deleted. VCF-style (leftmost placement, unchanged base first): chr8-60853351-CA-C. GRCh37 (hg19) VCF-style: chr8-61765910-CA-C.
Other names: c.1717-8877del (NM_001316690.1); short protein forms E2210fs.
Identifiers: ClinVar variation 994418 (VCV000994418.8), dbSNP rs1805560892, ClinGen allele CA1139660559.